The following is an entry in ClinVar:

ClinVar aggregate classification (germline): Conflicting classifications of pathogenicity. Review status: criteria provided, conflicting classifications (1 of 4 stars). 6 submissions from 6 submitters: Uncertain significance (2); Likely benign (4). Last evaluated 2025-11-11.

Conditions:
Hereditary cancer-predisposing syndrome. Also called: Hereditary Cancer Syndrome; Hereditary neoplastic syndrome; Neoplastic Syndromes, Hereditary; Tumor predisposition. Identifiers: Orphanet 140162, MedGen C0027672, MeSH D009386, MONDO:0015356.
Hereditary breast ovarian cancer syndrome. Also called: BRCA1- and BRCA2-Associated Hereditary Breast and Ovarian Cancer; Hereditary breast and ovarian cancer syndrome (HBOC); Hereditary breast and ovarian cancer; Hereditary breast and ovarian cancer syndrome; Breast and ovarian cancer; Hereditary breast and/or ovarian cancer syndrome. Identifiers: Orphanet 145, MedGen C0677776, MeSH D061325, MONDO:0003582. Disease mechanism: loss of function.
Familial cancer of breast. Also called: BREAST CANCER, FAMILIAL; Hereditary breast cancer; hereditary breast carcinoma. Identifiers: Orphanet 227535, MedGen C0346153, MONDO:0016419, OMIM 114480. Disease mechanism: loss of function.

Allele frequency attached by ClinVar (database versions not stated): gnomAD exomes below 0.00001 and 0.00001; ExAC 0.00001; TOPMed 0.00001; gnomAD 0.00002.
gnomAD v4.1: 13 of 1,614,040 alleles (0.00081%); highest among the groups gnomAD compares: South Asian, 0.0011%; no homozygotes.

Submissions (6):

Women's Health and Genetics/Laboratory Corporation of America, LabCorp
Classification: Uncertain significance. Last evaluated: 2025-11-11. Review status: criteria provided, single submitter. Criteria: LabCorp Variant Classification Summary - May 2015. Collection method: clinical testing. Allele origin: germline.
Comment: Variant summary: BARD1 c.977A>G (p.Asn326Ser) results in a conservative amino acid change in the encoded protein sequence. Algorithms developed to predict the effect of missense changes on protein structure and function all suggest that this variant is likely to be tolerated. The variant allele was found at a frequency of 4e-06 in 251038 control chromosomes. The available data on variant occurrences in the general population are insufficient to allow any conclusion about variant significance. c.977A>G has been observed in an individual affected with ovarian cancer (Ramus_2015). This report does not provide unequivocal conclusions about association of the variant with Breast Cancer. At least one publication reports experimental evidence evaluating an impact on protein function. These results showed functional HDR activity (Adamovich_2019). The following publications have been ascertained in the context of this evaluation (PMID: 26315354, 30925164). ClinVar contains an entry for this variant (Variation ID: 406763). Based on the evidence outlined above, the variant was classified as uncertain significance.

Labcorp Genetics (formerly Invitae), Labcorp
Classification: Uncertain significance for Familial cancer of breast. Last evaluated: 2025-09-15. Review status: criteria provided, single submitter. Criteria: Invitae Variant Classification Sherloc (09022015). Collection method: clinical testing. Allele origin: germline.
Comment: This sequence change replaces asparagine, which is neutral and polar, with serine, which is neutral and polar, at codon 326 of the BARD1 protein (p.Asn326Ser). This variant is present in population databases (rs779960429, gnomAD 0.0009%). This missense change has been observed in individual(s) with ovarian cancer (PMID: 26315354). ClinVar contains an entry for this variant (Variation ID: 406763). An algorithm developed to predict the effect of missense changes on protein structure and function outputs the following: PolyPhen-2: "Benign". The serine amino acid residue is found in multiple mammalian species, which suggests that this missense change does not adversely affect protein function. Experimental studies have shown that this missense change does not substantially affect BARD1 function (PMID: 30925164). In summary, the available evidence is currently insufficient to determine the role of this variant in disease. Therefore, it has been classified as a Variant of Uncertain Significance.

Color Diagnostics, LLC DBA Color Health
Classification: Likely benign for Hereditary cancer-predisposing syndrome. Last evaluated: 2024-09-19. Review status: criteria provided, single submitter. Criteria: ACMG Guidelines, 2015. Collection method: clinical testing. Allele origin: germline.

Cancer Genomics Group, Japanese Foundation For Cancer Research
Classification: Likely benign for Hereditary breast ovarian cancer syndrome. Last evaluated: 2022-03-30. Review status: criteria provided, single submitter. Criteria: ACMG Guidelines, 2015. Collection method: research. Allele origin: germline. Affected: yes.

Quest Diagnostics Nichols Institute San Juan Capistrano
Classification: Likely benign. Last evaluated: 2021-03-08. Review status: criteria provided, single submitter. Criteria: Quest Diagnostics criteria. Collection method: clinical testing. Allele origin: unknown.

Ambry Genetics
Classification: Likely benign for Hereditary cancer-predisposing syndrome. Last evaluated: 2019-03-27. Review status: criteria provided, single submitter. Criteria: Ambry Variant Classification Scheme 2023. Collection method: clinical testing. Allele origin: germline.

Literature cited by the submitters: PubMed 26315354 (cited by 4 submitters); PubMed 30925164 (cited by 4 submitters).

NM_000465.4(BARD1):c.977A>G (p.Asn326Ser)

Gene: BARD1 (BRCA1 associated RING domain 1; minus strand). Cytogenetic location: 2q35.
Variant type: single nucleotide variant.
Coding change: c.977A>G on transcript NM_000465.4 (MANE Select); coding-DNA position 977, A replaced by G.
Protein change: p.Asn326Ser; replaces asparagine 326 with serine.
Molecular consequence: missense variant. On other transcripts: non-coding transcript variant (2), intron variant (3).
Genome position (GRCh38, 1-based): chr2:214,780,897, T>C on the plus strand (A>G on the coding strand, the complement: BARD1 is on the minus strand). VCF-style: chr2-214780897-T-C. GRCh37 (hg19) VCF-style: chr2-215645621-T-C.
Other names: c.920A>G, p.Asn307Ser (NM_001282543.2); c.159-28342A>G (NM_001282548.2); c.215+16164A>G (NM_001282545.2); c.364+11400A>G (NM_001282549.2); short protein forms N326S, N307S.
Identifiers: ClinVar variation 406763 (VCV000406763.23), dbSNP rs779960429, ClinGen allele CA2090354.